The following is an entry in ClinVar:

NM_001369.3(DNAH5):c.11585C>G (p.Pro3862Arg)

Gene: DNAH5 (dynein axonemal heavy chain 5; minus strand). Cytogenetic location: 5p15.2.
Variant type: single nucleotide variant.
Coding change: c.11585C>G on transcript NM_001369.3 (MANE Select); coding-DNA position 11585, C replaced by G.
Protein change: p.Pro3862Arg; replaces proline 3862 with arginine.
Molecular consequence: missense variant.
Genome position (GRCh38, 1-based): chr5:13,735,307, G>C on the plus strand (C>G on the coding strand, the complement: DNAH5 is on the minus strand). VCF-style: chr5-13735307-G-C. GRCh37 (hg19) VCF-style: chr5-13735416-G-C.
Other names: short protein forms P3862R.
Identifiers: ClinVar variation 1521756 (VCV001521756.1), dbSNP rs763954304, ClinGen allele CA359223664.

ClinVar aggregate classification (germline): Uncertain significance (1 of 4 stars; one submission).

Conditions:
Primary ciliary dyskinesia. Also called: Ciliary dyskinesia. Identifiers: Orphanet 244, MedGen C0008780, MONDO:0016575, HP:0012265.

gnomAD v4.1: 1 of 1,613,918 alleles (0.000062%); highest among the groups gnomAD compares: Non-Finnish European, 0.000085%; no homozygotes.

Submission:

Labcorp Genetics (formerly Invitae), Labcorp
Classification: Uncertain significance for Primary ciliary dyskinesia. Last evaluated: 2021-09-30. Review status: criteria provided, single submitter. Criteria: Invitae Variant Classification Sherloc (09022015). Collection method: clinical testing. Allele origin: germline.
Comment: This sequence change replaces proline with arginine at codon 3862 of the DNAH5 protein (p.Pro3862Arg). The proline residue is highly conserved and there is a moderate physicochemical difference between proline and arginine. This variant is not present in population databases (ExAC no frequency). This variant has not been reported in the literature in individuals affected with DNAH5-related conditions. Advanced modeling of protein sequence and biophysical properties (such as structural, functional, and spatial information, amino acid conservation, physicochemical variation, residue mobility, and thermodynamic stability) performed at Invitae indicates that this missense variant is not expected to disrupt DNAH5 protein function. In summary, the available evidence is currently insufficient to determine the role of this variant in disease. Therefore, it has been classified as a Variant of Uncertain Significance.